The following is an entry in ClinVar:

NM_001282874.2(SMARCA1):c.349C>G (p.Pro117Ala)

Gene: SMARCA1 (SNF2 related chromatin remodeling ATPase 1; minus strand). Cytogenetic location: Xq26.1.
Variant type: single nucleotide variant.
Coding change: c.349C>G on transcript NM_001282874.2 (MANE Select); coding-DNA position 349, C replaced by G.
Protein change: p.Pro117Ala; replaces proline 117 with alanine.
Molecular consequence: missense variant.
Genome position (GRCh38, 1-based): chrX:129,516,410, G>C on the plus strand (C>G on the coding strand, the complement: SMARCA1 is on the minus strand). VCF-style: chrX-129516410-G-C. GRCh37 (hg19) VCF-style: chrX-128650387-G-C.
Other names: c.349C>G (NM_003069.3); c.349C>G, p.Pro117Ala (NM_001282875.2, NM_001378261.1, NM_001378262.1 and 3 more transcripts); short protein forms P117A.
Identifiers: ClinVar variation 1711719 (VCV001711719.32), dbSNP rs745536186, ClinGen allele CA10511811.

ClinVar aggregate classification (germline): Uncertain significance. Review status: criteria provided, multiple submitters, no conflicts (2 of 4 stars). 2 submissions from 2 submitters: Uncertain significance (2). Last evaluated 2023-05-08.

Allele frequency attached by ClinVar (database versions not stated): TOPMed 0.00002; gnomAD 0.00003; gnomAD exomes 0.00004; ExAC 0.00005.
gnomAD v4.1: 47 of 1,206,017 alleles (0.0039%); highest among the groups gnomAD compares: Admixed American, 0.0088%; no homozygotes.

Submissions (2):

Ambry Genetics
Classification: Uncertain significance. Last evaluated: 2023-05-08. Review status: criteria provided, single submitter. Criteria: Ambry Variant Classification Scheme 2023. Collection method: clinical testing. Allele origin: germline.

CeGaT Center for Human Genetics Tuebingen
Classification: Uncertain significance. Last evaluated: 2022-08-01. Review status: criteria provided, single submitter. Criteria: CeGaT Center For Human Genetics Tuebingen Variant Classification Criteria Version 2. Collection method: clinical testing. Allele origin: germline. Affected: yes. Observed: 1 variant allele.
Comment: SMARCA1: PP3